The following is an entry in ClinVar:

NM_000169.3(GLA):c.76A>G (p.Ile26Val)

Genes: GLA (galactosidase alpha; minus strand), RPL36A-HNRNPH2 (RPL36A-HNRNPH2 readthrough; plus strand). Cytogenetic location: Xq22.1.
Variant type: single nucleotide variant.
Coding change: c.76A>G on transcript NM_000169.3 (MANE Select); coding-DNA position 76, A replaced by G.
Protein change: p.Ile26Val; replaces isoleucine 26 with valine.
Molecular consequence: missense variant. On other transcripts: non-coding transcript variant (3), intron variant (2).
Genome position (GRCh38, 1-based): chrX:101,407,828, T>C on the plus strand (A>G on the coding strand, the complement: GLA is on the minus strand). VCF-style: chrX-101407828-T-C. GRCh37 (hg19) VCF-style: chrX-100662816-T-C.
Other names: c.76A>G, p.Ile26Val (NM_001406747.1, NM_001406748.1, NM_001406749.1); c.301-4108T>C (NM_001199973.2); c.178-4108T>C (NM_001199974.2); short protein forms I26V.
Identifiers: ClinVar variation 4809235 (VCV004809235.1).

ClinVar aggregate classification (germline): Uncertain significance (1 of 4 stars; one submission).

Conditions:
Fabry disease. Also called: Fabry's disease; ALPHA-GALACTOSIDASE A DEFICIENCY; ANDERSON-FABRY DISEASE; CERAMIDE TRIHEXOSIDASE DEFICIENCY; GLA DEFICIENCY; HEREDITARY DYSTOPIC LIPIDOSIS. Identifiers: Orphanet 324, MedGen C0002986, MONDO:0010526, OMIM 301500, HP:0001071. Disease mechanism: Fabry disease is due to inactivating mutations in the X-linked GLA gene resulting in deficiency of the enzyme Alpha Galactosidase-A., loss of function.

gnomAD v4.1: 1 of 1,210,923 alleles (0.000083%); highest among the groups gnomAD compares: Non-Finnish European, 0.00011%; no homozygotes.

Submission:

Labcorp Genetics (formerly Invitae), Labcorp
Classification: Uncertain significance for Fabry disease. Last evaluated: 2026-01-27. Review status: criteria provided, single submitter. Criteria: Invitae Variant Classification Sherloc (09022015). Collection method: clinical testing. Allele origin: germline.
Comment: This sequence change replaces isoleucine, which is neutral and non-polar, with valine, which is neutral and non-polar, at codon 26 of the GLA protein (p.Ile26Val). This variant is not present in population databases (gnomAD no frequency). This variant has not been reported in the literature in individuals affected with GLA-related conditions. Invitae Evidence Modeling of protein sequence and biophysical properties (such as structural, functional, and spatial information, amino acid conservation, physicochemical variation, residue mobility, and thermodynamic stability) indicates that this missense variant is not expected to disrupt GLA protein function with a negative predictive value of 95%. In summary, the available evidence is currently insufficient to determine the role of this variant in disease. Therefore, it has been classified as a Variant of Uncertain Significance.